The following is an entry in ClinVar:

NM_001142864.4(PIEZO1):c.440G>A (p.Arg147Gln)

Gene: PIEZO1 (piezo type mechanosensitive ion channel component 1 (Er blood group); minus strand). Cytogenetic location: 16q24.3.
Variant type: single nucleotide variant.
Coding change: c.440G>A on transcript NM_001142864.4 (MANE Select); coding-DNA position 440, G replaced by A.
Protein change: p.Arg147Gln; replaces arginine 147 with glutamine.
Molecular consequence: missense variant.
Genome position (GRCh38, 1-based): chr16:88,741,503, C>T on the plus strand (G>A on the coding strand, the complement: PIEZO1 is on the minus strand). VCF-style: chr16-88741503-C-T. GRCh37 (hg19) VCF-style: chr16-88807911-C-T.
Other names: p.Arg147Gln; c.440G>A (NM_001142864.2); short protein forms R147Q.
Identifiers: ClinVar variation 2434819 (VCV002434819.6), dbSNP rs1021076058, ClinGen allele CA286441118.
Genomic context (GRCh38, chr16:88,741,503, plus strand): 5'-CCTCCCTGACACACGGGTGACGCAGCTGCCCTCACCAGCTCCCGTGGATGTGGGCTCTGC[C>T]GGGTGTTCCTTGCAAGGCGCCCGCAGATGCCGAGGCAGACAGAGGAGACCACCAAGATGC-3'
Protein context (NP_001136336.2, residues 137-157): GICGRLARNT[Arg147Gln]QSPHPRELDD

ClinVar aggregate classification (germline): Conflicting classifications of pathogenicity. Review status: criteria provided, conflicting classifications (1 of 4 stars). 4 submissions from 4 submitters: Uncertain significance (2); Benign (1); Likely benign (1). Last evaluated 2025-11-19.

Conditions:
Inborn genetic diseases. Identifiers: MedGen C0950123, MeSH D030342.

Allele frequency attached by ClinVar (database versions not stated): gnomAD exomes 0.00002; gnomAD 0.00011; TOPMed 0.00011.

Submissions (4):

Ambry Genetics
Classification: Likely benign for Inborn genetic diseases. Last evaluated: 2025-11-19. Review status: criteria provided, single submitter. Criteria: Ambry Variant Classification Scheme 2023. Collection method: clinical testing. Allele origin: germline.

Mayo Clinic Laboratories, Mayo Clinic
Classification: Uncertain significance. Last evaluated: 2025-07-22. Review status: criteria provided, single submitter. Criteria: ACMG Guidelines, 2015. Collection method: clinical testing. Allele origin: germline. Observed: 2 variant alleles.
Comment: BP4_moderate, PM2_supporting

Labcorp Genetics (formerly Invitae), Labcorp
Classification: Benign. Last evaluated: 2024-08-15. Review status: criteria provided, single submitter. Criteria: Invitae Variant Classification Sherloc (09022015). Collection method: clinical testing. Allele origin: germline.

Revvity Omics, Revvity
Classification: Uncertain significance. Last evaluated: 2023-01-17. Review status: criteria provided, single submitter. Criteria: ACMG Guidelines, 2015. Collection method: clinical testing. Allele origin: germline.